The following is an entry in ClinVar:

ClinVar aggregate classification (germline): Uncertain significance (1 of 4 stars; one submission).

Submission:

CeGaT Center for Human Genetics Tuebingen
Classification: Uncertain significance. Last evaluated: 2026-07-01. Review status: criteria provided, single submitter. Criteria: CeGaT Center For Human Genetics Tuebingen Variant Classification Criteria Version 2. Collection method: clinical testing. Allele origin: germline. Affected: yes. Observed: 1 variant allele.
Comment: RFX7: PM2, BP4

NM_022841.7(RFX7):c.3966C>A (p.Ser1322Arg)

Gene: RFX7 (regulatory factor X7; minus strand). Cytogenetic location: 15q21.3.
Variant type: single nucleotide variant.
Coding change: c.3966C>A on transcript NM_022841.7 (MANE Select); coding-DNA position 3966, C replaced by A.
Protein change: p.Ser1322Arg; replaces serine 1322 with arginine.
Molecular consequence: missense variant.
Genome position (GRCh38, 1-based): chr15:56,093,762, G>T on the plus strand (C>A on the coding strand, the complement: RFX7 is on the minus strand). VCF-style: chr15-56093762-G-T. GRCh37 (hg19) VCF-style: chr15-56385960-G-T.
Other names: c.3675C>A, p.Ser1225Arg (NM_001368073.2, NM_001368074.1, NM_001370554.1); c.3966C>A, p.Ser1322Arg (NM_001370561.1); short protein forms S1225R, S1322R.
Identifiers: ClinVar variation 5040276 (VCV005040276.1).